The following is an entry in ClinVar:

ClinVar aggregate classification (germline): Likely benign (0 of 4 stars; one submission).

Conditions:
CFAP43-related disorder. Also called: CFAP43-related condition.

gnomAD v4.1: 8 of 1,614,124 alleles (0.0005%); highest among the groups gnomAD compares: Non-Finnish European, 0.00068%; 1 homozygote.

Submission:

PreventionGenetics, part of Exact Sciences
Classification: Likely benign for CFAP43-related condition. Last evaluated: 2024-06-06. Review status: no assertion criteria provided. Collection method: clinical testing. Allele origin: germline.
Comment: This variant is classified as likely benign based on ACMG/AMP sequence variant interpretation guidelines (Richards et al. 2015 PMID: 25741868, with internal and published modifications).

NM_025145.7(CFAP43):c.1666C>T (p.Leu556=)

Gene: CFAP43 (cilia and flagella associated protein 43; minus strand). Cytogenetic location: 10q25.1.
Variant type: single nucleotide variant.
Coding change: c.1666C>T on transcript NM_025145.7 (MANE Select); coding-DNA position 1666, C replaced by T.
Protein change: p.Leu556=; no amino-acid change (leucine 556 retained).
Molecular consequence: synonymous variant.
Genome position (GRCh38, 1-based): chr10:104,188,291, G>A on the plus strand (C>T on the coding strand, the complement: CFAP43 is on the minus strand). VCF-style: chr10-104188291-G-A. GRCh37 (hg19) VCF-style: chr10-105948049-G-A.
Identifiers: ClinVar variation 3353375 (VCV003353375.1).